The following is an entry in ClinVar:

ClinVar aggregate classification (germline): Pathogenic (1 of 4 stars; one submission).

Conditions:
Duchenne muscular dystrophy (DMD). Also called: MUSCULAR DYSTROPHY, PSEUDOHYPERTROPHIC PROGRESSIVE, DUCHENNE TYPE; Duchenne Muscular Dystrophy (DMD). Identifiers: Orphanet 98896, MedGen C0013264, MONDO:0010679, OMIM 310200.

Submission:

Labcorp Genetics (formerly Invitae), Labcorp
Classification: Pathogenic for Duchenne muscular dystrophy. Last evaluated: 2021-12-24. Review status: criteria provided, single submitter. Criteria: Invitae Variant Classification Sherloc (09022015). Collection method: clinical testing. Allele origin: germline.
Comment: This premature translational stop signal has been observed in individual(s) with Duchenne muscular dystrophy (DMD) (PMID: 28859693). This sequence change creates a premature translational stop signal (p.Trp163*) in the DMD gene. It is expected to result in an absent or disrupted protein product. Loss-of-function variants in DMD are known to be pathogenic (PMID: 16770791, 25007885). This variant is not present in population databases (gnomAD no frequency). ClinVar contains an entry for this variant (Variation ID: 951145). For these reasons, this variant has been classified as Pathogenic.

Literature cited by the submitters: PubMed 28859693; PubMed 16770791; PubMed 25007885.

NM_004006.3(DMD):c.488G>A (p.Trp163Ter)

Gene: DMD (dystrophin; minus strand). Cytogenetic location: Xp21.1.
Variant type: single nucleotide variant.
Coding change: c.488G>A on transcript NM_004006.3 (MANE Select); coding-DNA position 488, G replaced by A.
Protein change: p.Trp163Ter; replaces tryptophan 163 with a stop codon.
Molecular consequence: nonsense.
Genome position (GRCh38, 1-based): chrX:32,816,510, C>T on the plus strand (G>A on the coding strand, the complement: DMD is on the minus strand). VCF-style: chrX-32816510-C-T. GRCh37 (hg19) VCF-style: chrX-32834627-C-T.
Other names: c.464G>A, p.Trp155Ter (NM_000109.4); c.476G>A, p.Trp159Ter (NM_004009.3); c.119G>A, p.Trp40Ter (NM_004010.3); short protein forms W159*, W40*, W155*, W163*.
Identifiers: ClinVar variation 951145 (VCV000951145.11), dbSNP rs2077774135, ClinGen allele CA412674110.